The following is an entry in ClinVar:

ClinVar aggregate classification (germline): Conflicting classifications of pathogenicity. Review status: criteria provided, conflicting classifications (1 of 4 stars). 3 submissions from 3 submitters: Uncertain significance (2); Likely benign (1). Last evaluated 2025-10-01.

Conditions:
Inborn genetic diseases. Identifiers: MedGen C0950123, MeSH D030342.
Hereditary sensory and autonomic neuropathy type 7. Also called: HSAN VII; Neuropathy, hereditary sensory and autonomic, type VII. Identifiers: Orphanet 391397, MedGen C3809882, MONDO:0014244, OMIM 615548.
Familial episodic pain syndrome with predominantly lower limb involvement. Also called: Episodic pain syndrome, familial, 3. Identifiers: Orphanet 391384, Orphanet 391392, MedGen C3809899, MONDO:0014247, OMIM 615552.

Allele frequency attached by ClinVar (database versions not stated): TOPMed below 0.00001; ExAC 0.00001; gnomAD 0.00001; gnomAD exomes 0.00002 and 0.00005.
gnomAD v4.1: 66 of 1,614,024 alleles (0.0041%); highest among the groups gnomAD compares: Non-Finnish European, 0.0055%; no homozygotes.

Submissions (3):

Labcorp Genetics (formerly Invitae), Labcorp
Classification: Uncertain significance for Familial episodic pain syndrome with predominantly lower limb involvement; Hereditary sensory and autonomic neuropathy type 7. Last evaluated: 2025-10-01. Review status: criteria provided, single submitter. Criteria: Invitae Variant Classification Sherloc (09022015). Collection method: clinical testing. Allele origin: germline.
Comment: This sequence change replaces leucine, which is neutral and non-polar, with serine, which is neutral and polar, at codon 1672 of the SCN11A protein (p.Leu1672Ser). This variant is present in population databases (rs773317280, gnomAD 0.005%). This variant has not been reported in the literature in individuals affected with SCN11A-related conditions. ClinVar contains an entry for this variant (Variation ID: 648557). Invitae Evidence Modeling of protein sequence and biophysical properties (such as structural, functional, and spatial information, amino acid conservation, physicochemical variation, residue mobility, and thermodynamic stability) indicates that this missense variant is expected to disrupt SCN11A protein function with a positive predictive value of 80%. In summary, the available evidence is currently insufficient to determine the role of this variant in disease. Therefore, it has been classified as a Variant of Uncertain Significance.

Ambry Genetics
Classification: Uncertain significance for Inborn genetic diseases. Last evaluated: 2025-08-21. Review status: criteria provided, single submitter. Criteria: Ambry Variant Classification Scheme 2023. Collection method: clinical testing. Allele origin: germline.

CeGaT Center for Human Genetics Tuebingen
Classification: Likely benign. Last evaluated: 2025-04-01. Review status: criteria provided, single submitter. Criteria: CeGaT Center For Human Genetics Tuebingen Variant Classification Criteria Version 2. Collection method: clinical testing. Allele origin: germline. Affected: yes. Observed: 1 variant allele.
Comment: SCN11A: BS1

NM_001349253.2(SCN11A):c.5015T>C (p.Leu1672Ser)

Gene: SCN11A (sodium voltage-gated channel alpha subunit 11; minus strand). Cytogenetic location: 3p22.2.
Variant type: single nucleotide variant.
Coding change: c.5015T>C on transcript NM_001349253.2 (MANE Select); coding-DNA position 5015, T replaced by C.
Protein change: p.Leu1672Ser; replaces leucine 1672 with serine.
Molecular consequence: missense variant.
Genome position (GRCh38, 1-based): chr3:38,847,055, A>G on the plus strand (T>C on the coding strand, the complement: SCN11A is on the minus strand). VCF-style: chr3-38847055-A-G. GRCh37 (hg19) VCF-style: chr3-38888546-A-G.
Other names: c.5015T>C, p.Leu1672Ser (NM_014139.3); short protein forms L1672S.
Identifiers: ClinVar variation 648557 (VCV000648557.13), dbSNP rs773317280, ClinGen allele CA2321420.